The following is an entry in ClinVar:

NM_203290.4(POLR1C):c.846C>T (p.Thr282=)

Gene: POLR1C (RNA polymerase I and III subunit C; plus strand). Cytogenetic location: 6p21.1.
Variant type: single nucleotide variant.
Coding change: c.846C>T on transcript NM_203290.4 (MANE Select); coding-DNA position 846, C replaced by T.
Protein change: p.Thr282=; no amino-acid change (threonine 282 retained).
Molecular consequence: synonymous variant.
Genome position (GRCh38, 1-based): chr6:43,520,972, C>T. VCF-style: chr6-43520972-C-T. GRCh37 (hg19) VCF-style: chr6-43488710-C-T.
Other names: c.846C>T, p.Thr282= (NM_001318876.2, NM_001363658.2).
Identifiers: ClinVar variation 4823129 (VCV004823129.4).

ClinVar aggregate classification (germline): Likely benign (1 of 4 stars; one submission).

gnomAD v4.1: 6 of 1,614,124 alleles (0.00037%); highest among the groups gnomAD compares: East Asian, 0.011%; no homozygotes.

Submission:

CeGaT Center for Human Genetics Tuebingen
Classification: Likely benign. Last evaluated: 2026-01-01. Review status: criteria provided, single submitter. Criteria: CeGaT Center For Human Genetics Tuebingen Variant Classification Criteria Version 2. Collection method: clinical testing. Allele origin: germline. Affected: yes. Observed: 1 variant allele.
Comment: POLR1C: BP4, BP7